The following is an entry in ClinVar:

ClinVar aggregate classification (germline): Pathogenic. Review status: reviewed by expert panel (3 of 4 stars). 8 submissions from 8 submitters: Pathogenic (1). 7 of the submissions do not count toward it. Last evaluated 2016-09-08.

Conditions:
Hereditary cancer-predisposing syndrome. Also called: Tumor predisposition; Neoplastic Syndromes, Hereditary; Hereditary Cancer Syndrome; Hereditary neoplastic syndrome. Identifiers: Orphanet 140162, MedGen C0027672, MeSH D009386, MONDO:0015356.
Hereditary breast ovarian cancer syndrome. Also called: Hereditary breast and ovarian cancer syndrome (HBOC); Hereditary breast and ovarian cancer syndrome; Hereditary breast and ovarian cancer; Hereditary breast and/or ovarian cancer syndrome; Breast and ovarian cancer; BRCA1- and BRCA2-Associated Hereditary Breast and Ovarian Cancer. Identifiers: Orphanet 145, MedGen C0677776, MeSH D061325, MONDO:0003582. Disease mechanism: loss of function.
Breast-ovarian cancer, familial, susceptibility to, 1 (BROVCA1). Also called: OVARIAN CANCER, SUSCEPTIBILITY TO; BRCA1 Hereditary Breast and Ovarian Cancer. Identifiers: Orphanet 145, MedGen C2676676, MONDO:0011450, OMIM 604370. Disease mechanism: loss of function.

Submissions (8):

Evidence-based Network for the Interpretation of Germline Mutant Alleles (ENIGMA)
Classification: Pathogenic for Breast-ovarian cancer, familial, susceptibility to, 1. Last evaluated: 2016-09-08. Review status: reviewed by expert panel. Criteria: ENIGMA BRCA1/2 Classification Criteria (2015). Collection method: curation. Allele origin: germline.
Comment: Variant allele predicted to encode a truncated non-functional protein.

Ambry Genetics
Classification: Pathogenic for Hereditary cancer-predisposing syndrome. Last evaluated: 2024-03-20. Review status: criteria provided, single submitter. Criteria: Ambry Variant Classification Scheme 2023. Collection method: clinical testing. Allele origin: germline. Not counted in ClinVar's aggregate classification.
Comment: The c.3253dupA pathogenic mutation, located in coding exon 9 of the BRCA1 gene, results from a duplication of A at nucleotide position 3253, causing a translational frameshift with a predicted alternate stop codon (p.R1085Kfs*8). This alteration has been reported in multiple individuals with personal and/or family history consistent with breast and/or ovarian carcinoma (HBOC) syndrome (De Benedetti VM et al. Hum. Mutat.,1998;12:215; Azzollini J et al. Eur. J. Intern. Med., 2016 Jul;32:65-71; Rebbeck TR et al. Hum. Mutat., 2018 May;39:593-620). In addition to the clinical data presented in the literature, this alteration is expected to result in loss of function by premature protein truncation or nonsense-mediated mRNA decay. This variant is considered to be rare based on population cohorts in the Genome Aggregation Database (gnomAD). As such, this alteration is interpreted as a disease-causing mutation.

Labcorp Genetics (formerly Invitae), Labcorp
Classification: Pathogenic for Hereditary breast ovarian cancer syndrome. Last evaluated: 2021-10-25. Review status: criteria provided, single submitter. Criteria: Invitae Variant Classification Sherloc (09022015). Collection method: clinical testing. Allele origin: germline. Not counted in ClinVar's aggregate classification.
Comment: This sequence change creates a premature translational stop signal (p.Arg1085Lysfs*8) in the BRCA1 gene. It is expected to result in an absent or disrupted protein product. Loss-of-function variants in BRCA1 are known to be pathogenic (PMID: 20104584). For these reasons, this variant has been classified as Pathogenic. ClinVar contains an entry for this variant (Variation ID: 54805). This premature translational stop signal has been observed in individual(s) with breast and/or ovarian cancer (PMID: 27062684). This variant is not present in population databases (gnomAD no frequency).

GeneDx
Classification: Pathogenic. Last evaluated: 2020-06-23. Review status: criteria provided, single submitter. Criteria: GeneDx Variant Classification Process June 2021. Collection method: clinical testing. Allele origin: germline. Affected: yes. Not counted in ClinVar's aggregate classification.
Comment: Frameshift variant predicted to result in protein truncation or nonsense mediated decay in a gene for which loss-of-function is a known mechanism of disease; Observed in individuals with a personal or family history consistent with pathogenic variants in this gene (Casadei 2001, Azzolini 2016); Not observed in large population cohorts (Lek 2016); Truncating variants in this gene are considered pathogenic by a well-established clinical consortium and/or database; Also known as c.3372dupA; This variant is associated with the following publications: (PMID: 10660329, 27062684, 11556835)

Consortium of Investigators of Modifiers of BRCA1/2 (CIMBA), c/o University of Cambridge
Classification: Pathogenic for Breast-ovarian cancer, familial, susceptibility to, 1. Last evaluated: 2015-10-02. Review status: criteria provided, single submitter. Criteria: CIMBA Mutation Classification guidelines May 2016. Collection method: clinical testing. Allele origin: germline. Not counted in ClinVar's aggregate classification.

Research Molecular Genetics Laboratory, Women's College Hospital, University of Toronto
Classification: Pathogenic for Hereditary breast ovarian cancer syndrome. Last evaluated: 2014-01-31. Review status: no assertion criteria provided. Collection method: research. Allele origin: germline. Affected: yes. Study: The Canadian Open Genetics Repository (COGR). Not counted in ClinVar's aggregate classification.

Sharing Clinical Reports Project (SCRP)
Classification: Pathogenic for Breast-ovarian cancer, familial 1. Last evaluated: 2011-08-16. Review status: no assertion criteria provided. Collection method: clinical testing. Allele origin: germline. Not counted in ClinVar's aggregate classification.

Breast Cancer Information Core (BIC) (BRCA1)
Classification: Pathogenic for Breast-ovarian cancer, familial 1. Last evaluated: 2002-05-29. Review status: no assertion criteria provided. Collection method: clinical testing. Allele origin: germline. Affected: yes. Observed: 2 variant alleles. Not counted in ClinVar's aggregate classification.

Literature cited by the submitters: PubMed 10660329 (cited by Ambry Genetics); PubMed 27062684 (cited by Ambry Genetics and Labcorp Genetics (formerly Invitae), Labcorp); PubMed 29446198 (cited by Ambry Genetics); PubMed 20104584 (cited by Labcorp Genetics (formerly Invitae), Labcorp).

NM_007294.4(BRCA1):c.3253dup (p.Arg1085fs)

Genes: BRCA1 (BRCA1 DNA repair associated; minus strand), LOC126862571 (BRD4-independent group 4 enhancer GRCh37_chr17:41243136-41244335; plus strand). Cytogenetic location: 17q21.31.
Variant type: Duplication.
Coding change: c.3253dup on transcript NM_007294.4 (MANE Select); coding-DNA position 3253, one base duplicated (A; older notation c.3253dupA).
Protein change: p.Arg1085fs; shifts the reading frame from arginine 1085.
Molecular consequence: frameshift variant. On other transcripts: intron variant (137).
Genome position (GRCh38, 1-based): chr17:43,092,278, T duplicated on the plus strand (A on the coding strand, the reverse complement: BRCA1 is on the minus strand). VCF-style (leftmost placement, unchanged base first): chr17-43092277-C-CT. GRCh37 (hg19) VCF-style: chr17-41244294-C-CT.
Other names: 3372insA; c.3253dupA (NM_007294.3); c.3040dup, p.Arg1014fs (NM_001407571.1, NM_001407853.1, NM_001407894.1 and 9 more transcripts); c.3253dup, p.Arg1085fs (NM_001407581.1, NM_001407582.1, NM_001407583.1 and 30 more transcripts); c.3250dup, p.Arg1084fs (NM_001407587.1, NM_001407590.1, NM_001407591.1 and 22 more transcripts); c.3244dup, p.Arg1082fs (NM_001407646.1, NM_001407647.1); c.3130dup, p.Arg1044fs (NM_001407648.1, NM_001407664.1, NM_001407665.1 and 19 more transcripts); c.3127dup, p.Arg1043fs (NM_001407649.1, NM_001407670.1, NM_001407671.1 and 11 more transcripts); and 43 more; short protein forms R1038fs, R1085fs, R1015fs, R1017fs, R1037fs, R1058fs, R1082fs, R1084fs.
Identifiers: ClinVar variation 54805 (VCV000054805.14), dbSNP rs80357517, ClinGen allele CA002101.